The following is an entry in ClinVar:

ClinVar aggregate classification (germline): Conflicting classifications of pathogenicity. Review status: criteria provided, conflicting classifications (1 of 4 stars). 9 submissions from 9 submitters: Pathogenic (1); Likely pathogenic (4); Uncertain significance (3). 1 of the submissions does not count toward it. Last evaluated 2025-05-14.

Conditions:
Arthrogryposis multiplex congenita 6. Identifiers: MedGen C5543431, MONDO:0030281, OMIM 619334.
Nemaline myopathy 2 (NEM2). Also called: Nemaline myopathy 2, autosomal recessive. Identifiers: MedGen C1850569, MONDO:0009725, OMIM 256030.
NEB-related disorder. Also called: NEB-Related Disorders; NEB-related condition.
Nemaline myopathy. Also called: Myopathies, Nemaline. Identifiers: Orphanet 607, MedGen C0206157, MONDO:0018958.

Allele frequency attached by ClinVar (database versions not stated): gnomAD exomes below 0.00001; TOPMed below 0.00001.
gnomAD v4.1: 2 of 1,579,530 alleles (0.00013%); highest among the groups gnomAD compares: Non-Finnish European, 0.00017%; no homozygotes.

Submissions (9):

Women's Health and Genetics/Laboratory Corporation of America, LabCorp
Classification: Uncertain significance. Last evaluated: 2025-05-14. Review status: criteria provided, single submitter. Criteria: LabCorp Variant Classification Summary - May 2015. Collection method: clinical testing. Allele origin: germline.
Comment: Variant summary: NEB c.2211+5G>A alters a conserved nucleotide located close to a canonical splice site and therefore could affect mRNA splicing, leading to a significantly altered protein sequence. Several computational tools predict a significant impact on normal splicing: Two predict the variant abolishes the canonical 5' splicing donor site. Two predict the variant weakens the canonical 5' donor site. However, these predictions have yet to be confirmed by functional studies. The variant was absent in 204702 control chromosomes. c.2211+5G>A has been observed in 2 individuals affected with distal nemaline myopathy (example, Lehtokari_2006, Internal data). These data indicate that the variant may be associated with disease. To our knowledge, no experimental evidence demonstrating an impact on protein function has been reported. The following publications has been ascertained in the context of this evaluation (PMID: 21724397). ClinVar contains an entry for this variant (Variation ID: 555613). Based on the evidence outlined above, the variant was classified as VUS-possibly pathogenic.

Broad Center for Mendelian Genomics, Broad Institute of MIT and Harvard
Classification: Uncertain significance for Nemaline myopathy. Last evaluated: 2025-03-21. Review status: criteria provided, single submitter. Criteria: ACMG Guidelines, 2015. Collection method: curation. Allele origin: germline. Inheritance: Autosomal recessive inheritance.
Comment: The c.2211+5G>A variant in NEB has been reported, in the compound heterozygous state, in 2 affected siblings with nemaline myopathy (PMID: 21724397), and has been identified in 0.0002% (2/1157854) of European (non-Finnish) chromosomes by the Genome Aggregation Database (gnomAD; dbSNP ID: rs797045736). Although this variant has been seen in the general population in a heterozygous state, its frequency is low enough to be consistent with a recessive carrier frequency. This variant has also been reported in ClinVar (Variation ID: 555613) and has been interpreted as pathogenic/likely pathogenic by Invitae, Revvity Omics and Baylor Genetics, and a variant of uncertain significance by Counsyl and CeGaT Center for Human Genetics Tuebingen. Computational prediction tools and conservation analyses suggest that this variant may impact the protein, though this information is not predictive enough to determine pathogenicity. Loss of function of the NEB gene is an established disease mechanism in autosomal recessive nemaline myopathy. The phenotype of an individual heterozygous for this variant is highly specific for nemaline myopathy based on the presence of nemaline rods on a muscle biopsy consistent with disease (PMID: 21724397). In summary, while there is some suspicion for a pathogenic role, the clinical significance of this variant is uncertain. ACMG/AMP Criteria applied: PP3, PM2_supporting , PP4, PM3_supporting (Richards 2015).

Natera, Inc.
Classification: Likely pathogenic for Nemaline myopathy type 2. Last evaluated: 2024-04-15. Review status: criteria provided, single submitter. Criteria: Natera Variant Classification Schema (03/2026). Collection method: clinical testing. Allele origin: germline.
Comment: The c.2211+5G>A variant in NEB is an intronic variant located outside the canonical splice sites. This variant is rare in the general population with a frequency below the threshold expected for the associated phenotype(s). This variant has been observed in one or more individuals affected with the associated recessive disease, as either homozygous or compound heterozygous with a second variant (PMID: 21724397). This variant has been observed to segregate in affected family members (PMID: 21724397). Computational prediction algorithms indicate this variant is likely to affect gene or protein function. Given the available evidence, this variant is classified as Likely Pathogenic.

Baylor Genetics
Classification: Likely pathogenic for Arthrogryposis multiplex congenita 6. Last evaluated: 2024-01-02. Review status: criteria provided, single submitter. Criteria: ACMG Guidelines, 2015. Collection method: clinical testing. Allele origin: unknown.

Labcorp Genetics (formerly Invitae), Labcorp
Classification: Pathogenic for Nemaline myopathy 2. Last evaluated: 2023-12-09. Review status: criteria provided, single submitter. Criteria: Invitae Variant Classification Sherloc (09022015). Collection method: clinical testing. Allele origin: germline.
Comment: This sequence change falls in intron 23 of the NEB gene. It does not directly change the encoded amino acid sequence of the NEB protein. It affects a nucleotide within the consensus splice site. This variant is not present in population databases (gnomAD no frequency). This variant has been observed in individual(s) with nemaline myopathy (PMID: 21724397; Invitae). In at least one individual the data is consistent with being in trans (on the opposite chromosome) from a pathogenic variant. It has also been observed to segregate with disease in related individuals. ClinVar contains an entry for this variant (Variation ID: 555613). Variants that disrupt the consensus splice site are a relatively common cause of aberrant splicing (PMID: 17576681, 9536098). Algorithms developed to predict the effect of sequence changes on RNA splicing suggest that this variant may disrupt the consensus splice site. For these reasons, this variant has been classified as Pathogenic.

CeGaT Center for Human Genetics Tuebingen
Classification: Uncertain significance. Last evaluated: 2022-09-01. Review status: criteria provided, single submitter. Criteria: CeGaT Center For Human Genetics Tuebingen Variant Classification Criteria Version 2. Collection method: clinical testing. Allele origin: germline. Affected: yes. Observed: 1 variant allele.
Comment: NEB: PM2, BP4

Blueprint Genetics
Classification: Likely pathogenic for NEB-related disorders. Last evaluated: 2022-08-29. Review status: criteria provided, single submitter. Criteria: ACMG Guidelines, 2015. Collection method: clinical testing. Allele origin: germline. Affected: yes. Observed: 5 variant alleles.

Revvity Omics, Revvity
Classification: Likely pathogenic. Last evaluated: 2020-02-19. Review status: criteria provided, single submitter. Criteria: ACMG Guidelines, 2015. Collection method: clinical testing. Allele origin: germline.

Counsyl
Classification: Uncertain significance for Nemaline myopathy 2. Last evaluated: 2017-12-14. Review status: no assertion criteria provided. Collection method: clinical testing. Allele origin: unknown. Not counted in ClinVar's aggregate classification.

Literature cited by the submitters: PubMed 21724397 (cited by 3 submitters); PubMed 17576681 (cited by Labcorp Genetics (formerly Invitae), Labcorp); PubMed 9536098 (cited by Labcorp Genetics (formerly Invitae), Labcorp); PubMed 25205138 (cited by Counsyl).

NM_001164508.2(NEB):c.2211+5G>A

Gene: NEB (nebulin; minus strand). Cytogenetic location: 2q23.3.
Variant type: single nucleotide variant.
Coding change: c.2211+5G>A on transcript NM_001164508.2 (MANE Select); 5 bases into the intron after coding-DNA position 2211, G replaced by A.
Molecular consequence: intron variant.
Genome position (GRCh38, 1-based): chr2:151,691,859, C>T on the plus strand (G>A on the coding strand, the complement: NEB is on the minus strand). VCF-style: chr2-151691859-C-T. GRCh37 (hg19) VCF-style: chr2-152548373-C-T.
Other names: c.2211+5G>A (NM_004543.5, NM_001164507.2, NM_001271208.2).
Identifiers: ClinVar variation 555613 (VCV000555613.41), dbSNP rs797045736, ClinGen allele CA658823142.